The following is an entry in ClinVar:

ClinVar aggregate classification (germline): Uncertain significance (1 of 4 stars; one submission).

Conditions:
Intellectual developmental disorder with dysmorphic facies and ptosis (IDDDFP). Identifiers: Orphanet 698090, MedGen C4310617, MONDO:0015022, OMIM 617333.

Submission:

Dasa
Classification: Uncertain significance for Intellectual developmental disorder with dysmorphic facies and ptosis. Last evaluated: 2025-10-17. Review status: criteria provided, single submitter. Criteria: DASA Assertion Criteria. Collection method: clinical testing. Allele origin: germline.
Comment: NM_001003694.2(BRPF1):c.383A>G (p.Glu128Gly) is a missense variant that results in the substitution of glutamic acid with glycine. This variant is absent from population databases. The currently available literature and clinical evidence are not sufficient to establish a definitive association between this variant and the reported condition. Therefore, this variant is classified as a variant of uncertain significance.

NM_001003694.2(BRPF1):c.383A>G (p.Glu128Gly)

Gene: BRPF1 (bromodomain and PHD finger containing 1; plus strand). Cytogenetic location: 3p25.3.
Variant type: single nucleotide variant.
Coding change: c.383A>G on transcript NM_001003694.2 (MANE Select); coding-DNA position 383, A replaced by G.
Protein change: p.Glu128Gly; replaces glutamic acid 128 with glycine.
Molecular consequence: missense variant. On other transcripts: non-coding transcript variant (1).
Genome position (GRCh38, 1-based): chr3:9,734,523, A>G. VCF-style: chr3-9734523-A-G. GRCh37 (hg19) VCF-style: chr3-9776207-A-G.
Other names: c.383A>G, p.Glu128Gly (NM_001319049.2, NM_001319050.2, NM_001410704.1 and 7 more transcripts); short protein forms E128G.
Identifiers: ClinVar variation 4882228 (VCV004882228.2).